The following is an entry in ClinVar:

ClinVar aggregate classification (germline): Uncertain significance (1 of 4 stars; one submission).

Conditions:
Thrombocythemia 3 (THCYT3). Also called: THROMBOCYTOSIS 3; THROMBOCYTHEMIA 3, SOMATIC. Identifiers: MedGen C3281125, MONDO:0013794, OMIM 614521.

gnomAD v4.1: 1 of 1,579,990 alleles (0.000063%); highest among the groups gnomAD compares: Non-Finnish European, 0.000086%; no homozygotes.

Submission:

Neuberg Centre For Genomic Medicine, NCGM
Classification: Uncertain significance for Thrombocythemia 3. Review status: criteria provided, single submitter. Criteria: ACMG Guidelines, 2015. Collection method: clinical testing. Allele origin: germline. Inheritance: Autosomal dominant inheritance. Affected: yes.
Comment: The missense variant c.1340T>A(p.Ile447Asn) in JAK2 gene has not been reported previously as a pathogenic variant nor as a benign variant, to our knowledge. The observed variant is absent in gnomAD exomes database. This variant has not been submitted to the ClinVar database. The amino acid change p.Ile447Asn in JAK2 is predicted as conserved by GERP++ and PhyloP across 100 vertebrates. Multiple lines of computational evidence (Polyphen- benign, SIFT- tolerated and MutationTasterpolymorphism) predicts a conflicting evidences on protein structure and function for this variant. The amino acid Ile at position 447 is changed to a Asn changing protein sequence and it might alter its composition and physico-chemical properties. For these reasons, this variant has been classified as Uncertain Significance (VUS).

NM_004972.4(JAK2):c.1340T>A (p.Ile447Asn)

Genes: INSL6 (insulin like 6; minus strand), JAK2 (Janus kinase 2; plus strand). Cytogenetic location: 9p24.1.
Variant type: single nucleotide variant.
Coding change: c.1340T>A on transcript NM_004972.4 (MANE Select); coding-DNA position 1340, T replaced by A.
Protein change: p.Ile447Asn; replaces isoleucine 447 with asparagine.
Molecular consequence: missense variant. On other transcripts: non-coding transcript variant (2).
Genome position (GRCh38, 1-based): chr9:5,069,035, T>A. VCF-style: chr9-5069035-T-A. GRCh37 (hg19) VCF-style: chr9-5069035-T-A.
Other names: c.1340T>A, p.Ile447Asn (NM_001322194.2, NM_001322195.2, NM_001322196.2); c.125T>A, p.Ile42Asn (NM_001322198.2, NM_001322199.2); c.893T>A, p.Ile298Asn (NM_001322204.2); short protein forms I298N, I42N, I447N.
Identifiers: ClinVar variation 3242123 (VCV003242123.1), dbSNP rs2489027839.
Genomic context (GRCh38, chr9:5,069,035, plus strand): 5'-GTCCATTGTGACTATCCCTCCCTTTCTTTATAATTAAACTTATACAGCGAGAAAATGTCA[T>A]TGAATATAAACACTGTTTGATTACAAAAAATGAGAATGAAGAGTACAACCTCAGTGGGAC-3'
Protein context (NP_004963.1, residues 437-457): LTFAVERENV[Ile447Asn]EYKHCLITKN